The following is an entry in ClinVar:

ClinVar aggregate classification (germline): Uncertain significance (1 of 4 stars; one submission).

Conditions:
Breast-ovarian cancer, familial, susceptibility to, 4. Identifiers: Orphanet 145, MedGen C3280345, MONDO:0013669, OMIM 614291.

gnomAD v4.1: 1 of 1,614,050 alleles (0.000062%); highest among the groups gnomAD compares: Non-Finnish European, 0.000085%; no homozygotes.

Submission:

Labcorp Genetics (formerly Invitae), Labcorp
Classification: Uncertain significance for Breast-ovarian cancer, familial, susceptibility to, 4. Last evaluated: 2023-09-10. Review status: criteria provided, single submitter. Criteria: Invitae Variant Classification Sherloc (09022015). Collection method: clinical testing. Allele origin: germline.
Comment: In summary, the available evidence is currently insufficient to determine the role of this variant in disease. Therefore, it has been classified as a Variant of Uncertain Significance. Advanced modeling of protein sequence and biophysical properties (such as structural, functional, and spatial information, amino acid conservation, physicochemical variation, residue mobility, and thermodynamic stability) has been performed at Invitae for this missense variant, however the output from this modeling did not meet the statistical confidence thresholds required to predict the impact of this variant on RAD51D protein function. This variant has not been reported in the literature in individuals affected with RAD51D-related conditions. This variant is not present in population databases (gnomAD no frequency). This sequence change replaces arginine, which is basic and polar, with leucine, which is neutral and non-polar, at codon 291 of the RAD51D protein (p.Arg291Leu).

NM_002878.4(RAD51D):c.872G>T (p.Arg291Leu)

Genes: RAD51D (RAD51 paralog D; minus strand), RAD51L3-RFFL (RAD51L3-RFFL readthrough; minus strand). Cytogenetic location: 17q12.
Variant type: single nucleotide variant.
Coding change: c.872G>T on transcript NM_002878.4 (MANE Select); coding-DNA position 872, G replaced by T.
Protein change: p.Arg291Leu; replaces arginine 291 with leucine.
Molecular consequence: missense variant. On other transcripts: non-coding transcript variant (3).
Genome position (GRCh38, 1-based): chr17:35,101,232, C>A on the plus strand (G>T on the coding strand, the complement: RAD51D is on the minus strand). VCF-style: chr17-35101232-C-A. GRCh37 (hg19) VCF-style: chr17-33428251-C-A.
Other names: c.932G>T, p.Arg311Leu (NM_001142571.2); c.536G>T, p.Arg179Leu (NM_133629.3); short protein forms R311L, R179L, R291L.
Identifiers: ClinVar variation 2806783 (VCV002806783.3), dbSNP rs150134822, ClinGen allele CA289992731.
Genomic context (GRCh38, chr17:35,101,232, plus strand): 5'-TTACTGGCATCTTCCTGGGGCTGGCTCACCTGTCGGGAAGATTTGGCCAGACACGCCATG[C>A]GCCGGCCGCCTGATGCTCCTGCTCCCTCGATGGTGTCCAGGAGAATCCGAGTGCTGGGCA-3'
Protein context (NP_002869.3, residues 281-301): IEGAGASGGR[Arg291Leu]MACLAKSSRQ